The following is an entry in ClinVar:

NM_015338.6(ASXL1):c.1288T>G (p.Ser430Ala)

Gene: ASXL1 (ASXL transcriptional regulator 1; plus strand). Cytogenetic location: 20q11.21.
Variant type: single nucleotide variant.
Coding change: c.1288T>G on transcript NM_015338.6 (MANE Select); coding-DNA position 1288, T replaced by G.
Protein change: p.Ser430Ala; replaces serine 430 with alanine.
Molecular consequence: missense variant.
Genome position (GRCh38, 1-based): chr20:32,433,486, T>G. VCF-style: chr20-32433486-T-G. GRCh37 (hg19) VCF-style: chr20-31021289-T-G.
Other names: c.1105T>G, p.Ser369Ala (NM_001363734.1); short protein forms S430A, S369A.
Identifiers: ClinVar variation 4827381 (VCV004827381.1).
Genomic context (GRCh38, chr20:32,433,486, plus strand): 5'-AAACGCTCTCGGCCAGATCTCCGAACCAGAGCCAGAAGGAATCTGTACAAAAAACAGGAG[T>G]CAGAACAAGCAGGGGTTGCTAAGGATGCAAAATCTGTGGCCTCAGATGTTCCCCTCTACA-3'
Protein context (NP_056153.2, residues 420-440): ARRNLYKKQE[Ser430Ala]EQAGVAKDAK

ClinVar aggregate classification (germline): Uncertain significance (1 of 4 stars; one submission).

Conditions:
Inborn genetic diseases. Identifiers: MedGen C0950123, MeSH D030342.

Submission:

Ambry Genetics
Classification: Uncertain significance for Inborn genetic diseases. Last evaluated: 2026-02-23. Review status: criteria provided, single submitter. Criteria: Ambry Variant Classification Scheme 2023. Collection method: clinical testing. Allele origin: germline.
Comment: The p.S430A variant (also known as c.1288T>G), located in coding exon 12 of the ASXL1 gene, results from a T to G substitution at nucleotide position 1288. The serine at codon 430 is replaced by alanine, an amino acid with similar properties. This amino acid position is conserved. In addition, this alteration is predicted to be tolerated by in silico analysis. Based on the available evidence, the clinical significance of this variant remains unclear.